The following is an entry in ClinVar:

ClinVar aggregate classification (germline): Benign/Likely benign. Review status: criteria provided, multiple submitters, no conflicts (2 of 4 stars). 9 submissions from 8 submitters: Benign (2); Likely benign (7). Last evaluated 2026-07-01.

Conditions:
Charcot-Marie-Tooth disease. Also called: Charcot-Marie-Tooth Hereditary Neuropathy; Charcot-Marie-Tooth Neuropathy. Identifiers: Orphanet 166, MedGen C0007959, MONDO:0015626.
Inborn genetic diseases. Identifiers: MedGen C0950123, MeSH D030342.
Charcot-Marie-Tooth disease type 4. Also called: Charcot-Marie-Tooth disease, type IV; Charcot-Marie-Tooth, Type 4. Identifiers: Orphanet 64749, MedGen C4082197, MONDO:0018995.
Charcot-Marie-Tooth disease type 4C (CMT4C). Also called: SH3TC2-Related Hereditary Motor and Sensory Neuropathy; CHARCOT-MARIE-TOOTH DISEASE, DEMYELINATING, TYPE 4C; CHARCOT-MARIE-TOOTH DISEASE, DEMYELINATING, AUTOSOMAL RECESSIVE, TYPE 4C; CMT 4C; Charcot-Marie-Tooth Neuropathy Type 4C (CMT4C). Identifiers: Orphanet 99949, MedGen C1866636, MONDO:0011113, OMIM 601596.
Susceptibility to mononeuropathy of the median nerve, mild. Also called: CARPAL TUNNEL SYNDROME, SUSCEPTIBILITY TO. Identifiers: MedGen C3150596, MONDO:0013237, OMIM 613353.

Allele frequency attached by ClinVar (database versions not stated): gnomAD exomes 0.00042 and 0.00091; ExAC 0.00102; 1000 Genomes Project 0.00180; 1000 Genomes Project 30x 0.00187; ESP Exome Variant Server 0.00246; gnomAD 0.00249 and 0.00267; TOPMed 0.00308.
gnomAD v4.1: 999 of 1,613,912 alleles (0.062%); highest among the groups gnomAD compares: African/African-American, 0.93%; 5 homozygotes.

Submissions (9):

CeGaT Center for Human Genetics Tuebingen
Classification: Likely benign. Last evaluated: 2026-07-01. Review status: criteria provided, single submitter. Criteria: CeGaT Center For Human Genetics Tuebingen Variant Classification Criteria Version 2. Collection method: clinical testing. Allele origin: germline. Affected: yes. Observed: 1 variant allele.
Comment: SH3TC2: BP4, BP7

Labcorp Genetics (formerly Invitae), Labcorp
Classification: Benign for Charcot-Marie-Tooth disease type 4. Last evaluated: 2026-01-28. Review status: criteria provided, single submitter. Criteria: Invitae Variant Classification Sherloc (09022015). Collection method: clinical testing. Allele origin: germline.

Blueprint Genetics
Classification: Likely benign. Last evaluated: 2024-06-05. Review status: criteria provided, single submitter. Criteria: ACMG Guidelines, 2015. Collection method: clinical testing. Allele origin: germline.

Ambry Genetics
Classification: Likely benign for Inborn genetic diseases. Last evaluated: 2019-07-11. Review status: criteria provided, single submitter. Criteria: Ambry Variant Classification Scheme 2023. Collection method: clinical testing. Allele origin: germline.

Illumina Laboratory Services, Illumina
Classification: Likely benign for Susceptibility to mononeuropathy of the median nerve, mild. Last evaluated: 2018-01-13. Review status: criteria provided, single submitter. Criteria: ICSL Variant Classification Criteria 13 December 2019. Collection method: clinical testing. Allele origin: germline.
Comment: This variant was observed in the ICSL laboratory as part of a predisposition screen in an ostensibly healthy population. It had not been previously curated by ICSL or reported in the Human Gene Mutation Database (HGMD: prior to June 1st, 2018), and was therefore a candidate for classification through an automated scoring system. Utilizing variant allele frequency, disease prevalence and penetrance estimates, and inheritance mode, an automated score was calculated to assess if this variant is too frequent to cause the disease. Based on the score and internal cut-off values, a variant classified as likely benign is not then subjected to further curation. The score for this variant resulted in a classification of likely benign for this disease.

Illumina Laboratory Services, Illumina
Classification: Likely benign for Charcot-Marie-Tooth disease type 4C. Last evaluated: 2018-01-13. Review status: criteria provided, single submitter. Criteria: ICSL Variant Classification Criteria 13 December 2019. Collection method: clinical testing. Allele origin: germline.
Comment: the same text as in the submission from Illumina Laboratory Services, Illumina above.

Eurofins Ntd Llc (ga)
Classification: Likely benign. Last evaluated: 2015-11-18. Review status: criteria provided, single submitter. Criteria: EGL Classification Definitions 2015. Collection method: clinical testing. Allele origin: germline. Observed: 1 variant allele, 1 heterozygote.

GeneDx
Classification: Benign. Last evaluated: 2015-06-18. Review status: criteria provided, single submitter. Criteria: GeneDx Variant Classification (06012015). Collection method: clinical testing. Allele origin: germline. Affected: yes.
Comment: This variant is considered likely benign or benign based on one or more of the following criteria: it is a conservative change, it occurs at a poorly conserved position in the protein, it is predicted to be benign by multiple in silico algorithms, and/or has population frequency not consistent with disease.

Molecular Genetics Laboratory, London Health Sciences Centre
Classification: Likely benign for Charcot-Marie-Tooth disease. Review status: criteria provided, single submitter. Criteria: ACMG Guidelines, 2015. Collection method: clinical testing. Allele origin: germline. Affected: yes.

NM_024577.4(SH3TC2):c.1842C>T (p.Asp614=)

Gene: SH3TC2 (SH3 domain and tetratricopeptide repeats 2; minus strand). Cytogenetic location: 5q32.
Variant type: single nucleotide variant.
Coding change: c.1842C>T on transcript NM_024577.4 (MANE Select); coding-DNA position 1842, C replaced by T.
Protein change: p.Asp614=; no amino-acid change (aspartic acid 614 retained).
Molecular consequence: synonymous variant.
Genome position (GRCh38, 1-based): chr5:149,027,890, G>A on the plus strand (C>T on the coding strand, the complement: SH3TC2 is on the minus strand). VCF-style: chr5-149027890-G-A. GRCh37 (hg19) VCF-style: chr5-148407453-G-A.
Identifiers: ClinVar variation 241500 (VCV000241500.24), dbSNP rs138411915, ClinGen allele CA3499108.